The following is an entry in ClinVar:

NM_001111.5(ADAR):c.982C>T (p.Arg328Ter)

Gene: ADAR (adenosine deaminase RNA specific; minus strand). Cytogenetic location: 1q21.3.
Variant type: single nucleotide variant.
Coding change: c.982C>T on transcript NM_001111.5 (MANE Select); coding-DNA position 982, C replaced by T.
Protein change: p.Arg328Ter; replaces arginine 328 with a stop codon.
Molecular consequence: nonsense.
Genome position (GRCh38, 1-based): chr1:154,601,660, G>A on the plus strand (C>T on the coding strand, the complement: ADAR is on the minus strand). VCF-style: chr1-154601660-G-A. GRCh37 (hg19) VCF-style: chr1-154574136-G-A.
Other names: c.97C>T, p.Arg33Ter (NM_001365046.1, NM_001365047.1, NM_001365048.1 and 3 more transcripts); c.982C>T, p.Arg328Ter (NM_015840.4, NM_015841.4); c.1009C>T, p.Arg337Ter (NM_001365045.1); short protein forms R337*, R328*, R33*.
Identifiers: ClinVar variation 1456115 (VCV001456115.6), dbSNP rs1322905273, ClinGen allele CA342598970.

ClinVar aggregate classification (germline): Pathogenic. Review status: criteria provided, multiple submitters, no conflicts (2 of 4 stars). 2 submissions from 2 submitters: Pathogenic (2). Last evaluated 2025-08-27.

Conditions:
Symmetrical dyschromatosis of extremities (DSH). Also called: DYSCHROMATOSIS SYMMETRICA HEREDITARIA 1; RETICULATE ACROPIGMENTATION OF DOHI; SYMMETRIC DYSCHROMATOSIS OF THE EXTREMITIES; Dyschromatosis symmetrica hereditaria. Identifiers: Orphanet 41, MedGen C0406775, MONDO:0007483, OMIM 127400.
Aicardi-Goutieres syndrome 6 (AGS6). Identifiers: Orphanet 51, MedGen C3539013, MONDO:0014007, OMIM 615010.

gnomAD v4.1: 4 of 1,614,004 alleles (0.00025%); highest among the groups gnomAD compares: South Asian, 0.0022%; no homozygotes.

Submissions (2):

Variantyx, Inc.
Classification: Pathogenic for Symmetrical dyschromatosis of extremities. Last evaluated: 2025-08-27. Review status: criteria provided, single submitter. Criteria: Variantyx Assertion Criteria 2022. Collection method: clinical testing. Allele origin: germline. Inheritance: Autosomal dominant inheritance. Affected: no.
Comment: This is a nonsense variant in the ADAR gene (OMIM: 146920). Pathogenic variants in this gene have been associated with autosomal dominant dyschromatosis symmetrica hereditaria. This variant likely occurred de novo in individuals reported in the published literature; however, the possibility of parental germline mosaicism cannot be excluded (PMID: 17225010) (PS2_Supporting). It introduces a premature termination codon in exon 2 out of 15 ad is expected to result in loss of function, which is a known disease mechanism for ADAR in this disorder (PMID: 22974014) (PVS1). This variant has a 0.0023% maximum allele frequency in non-founder control populations (PM2). Based on the current evidence, this variant is classified as pathogenic for autosomal dominant dyschromatosis symmetrica hereditaria.

Labcorp Genetics (formerly Invitae), Labcorp
Classification: Pathogenic for Aicardi-Goutieres syndrome 6; Symmetrical dyschromatosis of extremities. Last evaluated: 2023-07-12. Review status: criteria provided, single submitter. Criteria: Invitae Variant Classification Sherloc (09022015). Collection method: clinical testing. Allele origin: germline.
Comment: This sequence change creates a premature translational stop signal (p.Arg328*) in the ADAR gene. It is expected to result in an absent or disrupted protein product. Loss-of-function variants in ADAR are known to be pathogenic (PMID: 22974014). This variant is present in population databases (no rsID available, gnomAD 0.003%). This premature translational stop signal has been observed in individual(s) with autosomal dominant dyschromatosis symmetrica hereditaria (PMID: 17225010). ClinVar contains an entry for this variant (Variation ID: 1456115). For these reasons, this variant has been classified as Pathogenic.

Literature cited by the submitters: PubMed 22974014 (cited by Variantyx, Inc. and Labcorp Genetics (formerly Invitae), Labcorp); PubMed 17225010 (cited by Variantyx, Inc. and Labcorp Genetics (formerly Invitae), Labcorp).